The following is an entry in ClinVar:

ClinVar aggregate classification (germline): Uncertain significance (1 of 4 stars; one submission).

Allele frequency attached by ClinVar (database versions not stated): gnomAD exomes below 0.00001.

Submission:

Labcorp Genetics (formerly Invitae), Labcorp
Classification: Uncertain significance. Last evaluated: 2022-11-08. Review status: criteria provided, single submitter. Criteria: Invitae Variant Classification Sherloc (09022015). Collection method: clinical testing. Allele origin: germline.
Comment: In summary, the available evidence is currently insufficient to determine the role of this variant in disease. Therefore, it has been classified as a Variant of Uncertain Significance. Algorithms developed to predict the effect of missense changes on protein structure and function (SIFT, PolyPhen-2, Align-GVGD) all suggest that this variant is likely to be tolerated. This variant has not been reported in the literature in individuals affected with MPDZ-related conditions. This variant is present in population databases (no rsID available, gnomAD 0.003%). This sequence change replaces methionine, which is neutral and non-polar, with isoleucine, which is neutral and non-polar, at codon 1913 of the MPDZ protein (p.Met1913Ile).

NM_001378778.1(MPDZ):c.5826G>A (p.Met1942Ile)

Gene: MPDZ (multiple PDZ domain crumbs cell polarity complex component; minus strand). Cytogenetic location: 9p23.
Variant type: single nucleotide variant.
Coding change: c.5826G>A on transcript NM_001378778.1 (MANE Select); coding-DNA position 5826, G replaced by A.
Protein change: p.Met1942Ile; replaces methionine 1942 with isoleucine.
Molecular consequence: missense variant.
Genome position (GRCh38, 1-based): chr9:13,110,639, C>T on the plus strand (G>A on the coding strand, the complement: MPDZ is on the minus strand). VCF-style: chr9-13110639-C-T. GRCh37 (hg19) VCF-style: chr9-13110638-C-T.
Other names: c.5727G>A, p.Met1909Ile (NM_001261406.2, NM_001375416.1, NM_001375417.1 and 1 more transcripts); c.5640G>A, p.Met1880Ile (NM_001261407.2, NM_001375419.1); c.5826G>A, p.Met1942Ile (NM_001330637.2); c.5925G>A, p.Met1975Ile (NM_001375413.1); c.5616G>A, p.Met1872Ile (NM_001375420.1, NM_001375421.1, NM_001375422.1 and 2 more transcripts); c.5529G>A, p.Met1843Ile (NM_001375425.1, NM_001375426.1); c.5418G>A, p.Met1806Ile (NM_001375427.1); c.5739G>A, p.Met1913Ile (NM_003829.5); short protein forms M1806I, M1975I, M1880I, M1909I, M1913I, M1942I, M1843I, M1872I.
Identifiers: ClinVar variation 2044074 (VCV002044074.4), dbSNP rs1266147740, ClinGen allele CA372940500.
Genomic context (GRCh38, chr9:13,110,639, plus strand): 5'-GCTCATGTGTCTTCAGGCTACCTATATTCTGAATTATGCTTGGGATAAAAATCTTACCTG[C>T]ATTTCAATGGAGCCAGATGCATTTTTCAGTAGGTTAACTGCTTGGGTGTGAGTCATGCCC-3'
Protein context (NP_001365707.1, residues 1932-1952): LLKNASGSIE[Met1942Ile]QVVAGGDVSV